The following is an entry in ClinVar:

NM_003919.3(SGCE):c.1261C>T (p.Pro421Ser)

Genes: CASD1 (CAS1 domain sialic acid O acetyltransferase 1; plus strand), SGCE (sarcoglycan epsilon; minus strand). Cytogenetic location: 7q21.3.
Variant type: single nucleotide variant.
Coding change: c.1261C>T on transcript NM_003919.3 (MANE Select); coding-DNA position 1261, C replaced by T.
Protein change: p.Pro421Ser; replaces proline 421 with serine.
Molecular consequence: missense variant.
Genome position (GRCh38, 1-based): chr7:94,588,725, G>A on the plus strand (C>T on the coding strand, the complement: SGCE is on the minus strand). VCF-style: chr7-94588725-G-A. GRCh37 (hg19) VCF-style: chr7-94218037-G-A.
Other names: c.1234C>T, p.Pro412Ser (NM_001099400.2, NM_001346717.2); c.1336C>T, p.Pro446Ser (NM_001099401.2); c.1138C>T, p.Pro380Ser (NM_001301139.2); c.1369C>T, p.Pro457Ser (NM_001346713.2); c.1342C>T, p.Pro448Ser (NM_001346715.2); c.1174C>T, p.Pro392Ser (NM_001346719.2); c.988C>T, p.Pro330Ser (NM_001346720.2); c.1147C>T, p.Pro383Ser (NM_001362807.2); and 2 more; short protein forms P371S, P380S, P330S, P383S, P446S, P448S, P392S, P412S.
Identifiers: ClinVar variation 3706267 (VCV003706267.2).

ClinVar aggregate classification (germline): Uncertain significance (1 of 4 stars; one submission).

Conditions:
Myoclonic dystonia 11 (DYT11). Also called: Myoclonic dystonia; Dystonia 11; Dystonia, alcohol responsive; Hereditary essential myoclonus; SGCE Myoclonus-Dystonia; Myoclonus-Dystonia. Identifiers: Orphanet 36899, MedGen C1834570, MONDO:0008044, OMIM 159900.

Submission:

Labcorp Genetics (formerly Invitae), Labcorp
Classification: Uncertain significance for Myoclonic dystonia 11. Last evaluated: 2024-02-02. Review status: criteria provided, single submitter. Criteria: Invitae Variant Classification Sherloc (09022015). Collection method: clinical testing. Allele origin: germline.
Comment: This sequence change replaces proline, which is neutral and non-polar, with serine, which is neutral and polar, at codon 421 of the SGCE protein (p.Pro421Ser). This variant is not present in population databases (gnomAD no frequency). This variant has not been reported in the literature in individuals affected with SGCE-related conditions. An algorithm developed to predict the effect of missense changes on protein structure and function (PolyPhen-2) suggests that this variant is likely to be tolerated. In summary, the available evidence is currently insufficient to determine the role of this variant in disease. Therefore, it has been classified as a Variant of Uncertain Significance.